The following is an entry in ClinVar:

NM_002087.4(GRN):c.1170A>C (p.Pro390=)

Gene: GRN (granulin precursor; plus strand). Cytogenetic location: 17q21.31.
Variant type: single nucleotide variant.
Coding change: c.1170A>C on transcript NM_002087.4 (MANE Select); coding-DNA position 1170, A replaced by C.
Protein change: p.Pro390=; no amino-acid change (proline 390 retained).
Molecular consequence: synonymous variant.
Genome position (GRCh38, 1-based): chr17:44,351,786, A>C. VCF-style: chr17-44351786-A-C. GRCh37 (hg19) VCF-style: chr17-42429154-A-C.
Identifiers: ClinVar variation 4681541 (VCV004681541.5).

ClinVar aggregate classification (germline): Likely benign (1 of 4 stars; one submission).

Submission:

CeGaT Center for Human Genetics Tuebingen
Classification: Likely benign. Last evaluated: 2026-05-01. Review status: criteria provided, single submitter. Criteria: CeGaT Center For Human Genetics Tuebingen Variant Classification Criteria Version 2. Collection method: clinical testing. Allele origin: germline. Affected: yes. Observed: 2 variant alleles.
Comment: GRN: PM2:Supporting, BP4, BP7